The following is an entry in ClinVar:

NM_003482.4(KMT2D):c.3237A>C (p.Ser1079=)

Gene: KMT2D (lysine methyltransferase 2D; minus strand). Cytogenetic location: 12q13.12.
Variant type: single nucleotide variant.
Coding change: c.3237A>C on transcript NM_003482.4 (MANE Select); coding-DNA position 3237, A replaced by C.
Protein change: p.Ser1079=; no amino-acid change (serine 1079 retained).
Molecular consequence: synonymous variant.
Genome position (GRCh38, 1-based): chr12:49,050,351, T>G on the plus strand (A>C on the coding strand, the complement: KMT2D is on the minus strand). VCF-style: chr12-49050351-T-G. GRCh37 (hg19) VCF-style: chr12-49444134-T-G.
Identifiers: ClinVar variation 805013 (VCV000805013.3), dbSNP rs751089758, ClinGen allele CA6548094.

ClinVar aggregate classification (germline): Likely benign. Review status: criteria provided, multiple submitters, no conflicts (2 of 4 stars). 3 submissions from 3 submitters: Likely benign (3). Last evaluated 2026-09-01.

Conditions:
Inborn genetic diseases. Identifiers: MedGen C0950123, MeSH D030342.

Allele frequency attached by ClinVar (database versions not stated): ExAC 0.00002; gnomAD 0.00002; TOPMed 0.00003; gnomAD exomes 0.00004 and 0.00007.

Submissions (3):

CeGaT Center for Human Genetics Tuebingen
Classification: Likely benign. Last evaluated: 2026-09-01. Review status: criteria provided, single submitter. Criteria: CeGaT Center For Human Genetics Tuebingen Variant Classification Criteria Version 2. Collection method: clinical testing. Allele origin: germline. Affected: yes. Observed: 1 variant allele.
Comment: KMT2D: BP4, BP7

Ambry Genetics
Classification: Likely benign for Inborn genetic diseases. Last evaluated: 2026-06-23. Review status: criteria provided, single submitter. Criteria: Ambry Variant Classification Scheme 2023. Collection method: clinical testing. Allele origin: germline.

Athena Diagnostics
Classification: Likely benign. Last evaluated: 2018-11-01. Review status: criteria provided, single submitter. Criteria: Athena Diagnostics Criteria. Collection method: clinical testing. Allele origin: germline.